The following is an entry in ClinVar:

ClinVar aggregate classification (germline): Uncertain significance. Review status: criteria provided, multiple submitters, no conflicts (2 of 4 stars). 2 submissions from 2 submitters: Uncertain significance (2). Last evaluated 2025-04-14.

gnomAD v4.1: 137 of 1,613,896 alleles (0.0085%); highest among the groups gnomAD compares: Non-Finnish European, 0.01%; no homozygotes.

Submissions (2):

Mayo Clinic Laboratories, Mayo Clinic
Classification: Uncertain significance. Last evaluated: 2025-04-14. Review status: criteria provided, single submitter. Criteria: ACMG Guidelines, 2015. Collection method: clinical testing. Allele origin: germline. Observed: 1 variant allele.
Comment: PP3

Labcorp Genetics (formerly Invitae), Labcorp
Classification: Uncertain significance. Last evaluated: 2025-01-20. Review status: criteria provided, single submitter. Criteria: Invitae Variant Classification Sherloc (09022015). Collection method: clinical testing. Allele origin: germline.
Comment: This sequence change replaces glycine, which is neutral and non-polar, with arginine, which is basic and polar, at codon 919 of the LAMA1 protein (p.Gly919Arg). This variant is present in population databases (rs201635937, gnomAD 0.01%). This missense change has been observed in individual(s) with LAMA1-related conditions (PMID: 31088393). ClinVar contains an entry for this variant (Variation ID: 1419825). Invitae Evidence Modeling of protein sequence and biophysical properties (such as structural, functional, and spatial information, amino acid conservation, physicochemical variation, residue mobility, and thermodynamic stability) indicates that this missense variant is expected to disrupt LAMA1 protein function with a positive predictive value of 80%. Algorithms developed to predict the effect of sequence changes on RNA splicing suggest that this variant may disrupt the consensus splice site. In summary, the available evidence is currently insufficient to determine the role of this variant in disease. Therefore, it has been classified as a Variant of Uncertain Significance.

Literature cited by the submitters: PubMed 31088393 (cited by Mayo Clinic Laboratories, Mayo Clinic and Labcorp Genetics (formerly Invitae), Labcorp).

NM_005559.4(LAMA1):c.2755G>A (p.Gly919Arg)

Gene: LAMA1 (laminin subunit alpha 1; minus strand). Cytogenetic location: 18p11.31.
Variant type: single nucleotide variant.
Coding change: c.2755G>A on transcript NM_005559.4 (MANE Select); coding-DNA position 2755, G replaced by A.
Protein change: p.Gly919Arg; replaces glycine 919 with arginine.
Molecular consequence: missense variant.
Genome position (GRCh38, 1-based): chr18:7,017,331, C>T on the plus strand (G>A on the coding strand, the complement: LAMA1 is on the minus strand). VCF-style: chr18-7017331-C-T. GRCh37 (hg19) VCF-style: chr18-7017330-C-T.
Other names: p.Gly919Arg; short protein forms G919R.
Identifiers: ClinVar variation 1419825 (VCV001419825.6), dbSNP rs201635937, ClinGen allele CA8882537.